The following is an entry in ClinVar:

NM_004646.4(NPHS1):c.2137del (p.Asp713fs)

Gene: NPHS1 (NPHS1 adhesion molecule, nephrin; minus strand). Cytogenetic location: 19q13.12.
Variant type: Deletion.
Coding change: c.2137del on transcript NM_004646.4 (MANE Select); coding-DNA position 2137, one base deleted (G; older notation c.2137delG).
Protein change: p.Asp713fs; shifts the reading frame from aspartic acid 713.
Molecular consequence: frameshift variant.
Genome position (GRCh38, 1-based): chr19:35,844,178, C deleted on the plus strand (G on the coding strand, the reverse complement: NPHS1 is on the minus strand); the first of 2 consecutive C bases (chr19:35,844,178-35,844,179); deleting either gives the same sequence. VCF-style (leftmost placement, unchanged base first): chr19-35844177-TC-T. GRCh37 (hg19) VCF-style: chr19-36335079-TC-T.
Other names: short protein forms D713fs.
Identifiers: ClinVar variation 2835013 (VCV002835013.4), dbSNP rs1973102039, ClinGen allele CA2333848343.

ClinVar aggregate classification (germline): Pathogenic/Likely pathogenic. Review status: criteria provided, multiple submitters, no conflicts (2 of 4 stars). 2 submissions from 2 submitters: Pathogenic (1); Likely pathogenic (1). Last evaluated 2024-06-05.

Conditions:
Finnish congenital nephrotic syndrome (NPHS1). Also called: NEPHROTIC SYNDROME, TYPE 1. Identifiers: Orphanet 839, MedGen C0403399, MONDO:0009732, OMIM 256300.

Submissions (2):

Fulgent Genetics
Classification: Likely pathogenic for Finnish congenital nephrotic syndrome. Last evaluated: 2024-06-05. Review status: criteria provided, single submitter. Criteria: ACMG Guidelines, 2015. Collection method: clinical testing. Allele origin: germline.

Labcorp Genetics (formerly Invitae), Labcorp
Classification: Pathogenic. Last evaluated: 2023-11-19. Review status: criteria provided, single submitter. Criteria: Invitae Variant Classification Sherloc (09022015). Collection method: clinical testing. Allele origin: germline.
Comment: This sequence change creates a premature translational stop signal (p.Asp713Thrfs*39) in the NPHS1 gene. It is expected to result in an absent or disrupted protein product. Loss-of-function variants in NPHS1 are known to be pathogenic (PMID: 11317351, 11854170, 12039988). This variant is not present in population databases (gnomAD no frequency). This variant has not been reported in the literature in individuals affected with NPHS1-related conditions. For these reasons, this variant has been classified as Pathogenic.

Literature cited by the submitters: PubMed 11317351 (cited by Labcorp Genetics (formerly Invitae), Labcorp); PubMed 11854170 (cited by Labcorp Genetics (formerly Invitae), Labcorp); PubMed 12039988 (cited by Labcorp Genetics (formerly Invitae), Labcorp).